The following is an entry in ClinVar:

NM_001292063.2(OTOG):c.20C>T (p.Ala7Val)

Gene: OTOG (otogelin; plus strand). Cytogenetic location: 11p15.1.
Variant type: single nucleotide variant.
Coding change: c.20C>T on transcript NM_001292063.2 (MANE Select); coding-DNA position 20, C replaced by T.
Protein change: p.Ala7Val; replaces alanine 7 with valine.
Molecular consequence: missense variant.
Genome position (GRCh38, 1-based): chr11:17,547,392, C>T. VCF-style: chr11-17547392-C-T. GRCh37 (hg19) VCF-style: chr11-17568939-C-T.
Other names: c.20C>T, p.Ala7Val (NM_001277269.2); short protein forms A7V.
Identifiers: ClinVar variation 4988073 (VCV004988073.1).

ClinVar aggregate classification (germline): Uncertain significance (1 of 4 stars; one submission).

Conditions:
OTOG-related disorder. Also called: OTOG-related condition.

gnomAD v4.1: 16 of 1,416,256 alleles (0.0011%); highest among the groups gnomAD compares: South Asian, 0.0031%; no homozygotes.

Submission:

PreventionGenetics, part of Exact Sciences
Classification: Uncertain significance for OTOG-related condition. Last evaluated: 2026-02-19. Review status: criteria provided, single submitter. Criteria: ACMG Guidelines, 2015. Collection method: clinical testing. Allele origin: germline.
Comment: The OTOG c.20C>T variant is predicted to result in the amino acid substitution p.Ala7Val. To our knowledge, this variant has not been reported in the literature or in a large population database (gnomAD), indicating this variant is rare. At this time, the clinical significance of this variant is uncertain due to the absence of conclusive functional and genetic evidence.